The following is an entry in ClinVar:

ClinVar aggregate classification (germline): Pathogenic (1 of 4 stars; one submission).

Conditions:
Glycogen storage disease, type V (GSD5). Also called: MCARDLE DISEASE; MUSCLE GLYCOGEN PHOSPHORYLASE DEFICIENCY; MYOPHOSPHORYLASE DEFICIENCY; PYGM DEFICIENCY; McArdle type glycogen storage disease. Identifiers: Orphanet 368, MedGen C0017924, MONDO:0009293, OMIM 232600.

Submission:

Myriad Genetics, Inc.
Classification: Pathogenic for Glycogen storage disease, type V. Last evaluated: 2025-07-03. Review status: criteria provided, single submitter. Criteria: Myriad Autosomal Dominant, Autosomal Recessive and X-Linked Classification Criteria (2023). Collection method: clinical testing. Allele origin: unknown.
Comment: NM_005609.2(PYGM):c.31_33delAGAinsGG(R11Gfs*15) is a frameshift variant classified as pathogenic in the context of glycogen storage disease, PYGM-related. R11Gfs*15 has not been observed in cases with relevant disease. Relevant functional assessments of this variant are not available in the literature. R11Gfs*15 has not been observed in referenced population frequency databases. In summary, NM_005609.2(PYGM):c.31_33delAGAinsGG(R11Gfs*15) is a frameshift variant in a gene where loss of function is a known mechanism of disease and is predicted to disrupt protein function. Please note: this variant was assessed in the context of healthy population screening.

NM_005609.4(PYGM):c.31_33delinsGG (p.Arg11fs)

Gene: PYGM (glycogen phosphorylase, muscle associated; minus strand). Cytogenetic location: 11q13.1.
Variant type: Indel.
Coding change: c.31_33delinsGG on transcript NM_005609.4 (MANE Select); coding-DNA positions 31 to 33, AGA replaced by GG.
Protein change: p.Arg11fs; shifts the reading frame from arginine 11.
Molecular consequence: frameshift variant.
Genome position (GRCh38, 1-based): chr11:64,759,866-64,759,868, TCT replaced by CC on the plus strand (AGA replaced by GG on the coding strand, the reverse complement: PYGM is on the minus strand). VCF-style: chr11-64759866-TCT-CC. GRCh37 (hg19) VCF-style: chr11-64527338-TCT-CC.
Other names: c.31_33delinsGG, p.Arg11fs (NM_001164716.1); short protein forms R11fs.
Identifiers: ClinVar variation 4081776 (VCV004081776.1).
Genomic context (GRCh38, chr11:64,759,866, plus strand): 5'-GTTCTTTTTCAGCTCAGTCACGTTCTCCACGCCGGCCAGGCCACGCACACTGATTTGCTT[TCT>CC]TTTCTCTTGGTCTGACAGGGGCCGGGACATGGCTGCAGGAGGGCGGGCCGGACTGGACTG-3'